The following is an entry in ClinVar:

NM_030777.4(SLC2A10):c.1016C>T (p.Thr339Ile)

Gene: SLC2A10 (solute carrier family 2 member 10; plus strand). Cytogenetic location: 20q13.12.
Variant type: single nucleotide variant.
Coding change: c.1016C>T on transcript NM_030777.4 (MANE Select); coding-DNA position 1016, C replaced by T.
Protein change: p.Thr339Ile; replaces threonine 339 with isoleucine.
Molecular consequence: missense variant.
Genome position (GRCh38, 1-based): chr20:46,726,052, C>T. VCF-style: chr20-46726052-C-T. GRCh37 (hg19) VCF-style: chr20-45354691-C-T.
Other names: short protein forms T339I.
Identifiers: ClinVar variation 1695017 (VCV001695017.31), dbSNP rs1213099627, ClinGen allele CA409268869.
Genomic context (GRCh38, chr20:46,726,052, plus strand): 5'-TTGCCGTGCCCATGGACTCAGGCCCAAGCTGTCTGGCTGTGCCCAATGCCACCGGGCAGA[C>T]AGGCCTCCCTGGAGACTCTGGCCTGCTGCAGGACTCCTCTCTACCTCCCATTCCAAGGAC-3'
Protein context (NP_110404.1, residues 329-349): CLAVPNATGQ[Thr339Ile]GLPGDSGLLQ

ClinVar aggregate classification (germline): Uncertain significance (1 of 4 stars; one submission).

gnomAD v4.1: 1 of 1,614,158 alleles (0.000062%); highest among the groups gnomAD compares: Non-Finnish European, 0.000085%; no homozygotes.

Submission:

CeGaT Center for Human Genetics Tuebingen
Classification: Uncertain significance. Last evaluated: 2022-05-01. Review status: criteria provided, single submitter. Criteria: CeGaT Center For Human Genetics Tuebingen Variant Classification Criteria Version 2. Collection method: clinical testing. Allele origin: germline. Affected: yes. Observed: 1 variant allele.
Comment: SLC2A10: PM2, BP4